The following is an entry in ClinVar:

ClinVar aggregate classification (germline): Uncertain significance (1 of 4 stars; one submission).

Conditions:
Deficiency of alpha-mannosidase (MANSA). Also called: Alpha-Mannosidosis; Mannosidosis, alpha-, types I and II; LYSOSOMAL ALPHA-D-MANNOSIDASE DEFICIENCY. Identifiers: Orphanet 61, MedGen C0024748, MONDO:0009561, OMIM 248500.

Allele frequency attached by ClinVar (database versions not stated): gnomAD 0.00001; ExAC 0.00002; TOPMed 0.00002; gnomAD exomes 0.00003.
gnomAD v4.1: 48 of 1,613,908 alleles (0.003%); highest among the groups gnomAD compares: Non-Finnish European, 0.0038%; no homozygotes.

Submission:

Labcorp Genetics (formerly Invitae), Labcorp
Classification: Uncertain significance for Deficiency of alpha-mannosidase. Last evaluated: 2022-02-18. Review status: criteria provided, single submitter. Criteria: Invitae Variant Classification Sherloc (09022015). Collection method: clinical testing. Allele origin: germline.
Comment: This sequence change replaces leucine, which is neutral and non-polar, with proline, which is neutral and non-polar, at codon 1001 of the MAN2B1 protein (p.Leu1001Pro). This variant is present in population databases (rs762104115, gnomAD 0.004%). This variant has not been reported in the literature in individuals affected with MAN2B1-related conditions. Algorithms developed to predict the effect of missense changes on protein structure and function are either unavailable or do not agree on the potential impact of this missense change (SIFT: "Deleterious"; PolyPhen-2: "Probably Damaging"; Align-GVGD: "Class C0"). In summary, the available evidence is currently insufficient to determine the role of this variant in disease. Therefore, it has been classified as a Variant of Uncertain Significance.

NM_000528.4(MAN2B1):c.3002T>C (p.Leu1001Pro)

Gene: MAN2B1 (mannosidase alpha class 2B member 1; minus strand). Cytogenetic location: 19p13.13.
Variant type: single nucleotide variant.
Coding change: c.3002T>C on transcript NM_000528.4 (MANE Select); coding-DNA position 3002, T replaced by C.
Protein change: p.Leu1001Pro; replaces leucine 1001 with proline.
Molecular consequence: missense variant.
Genome position (GRCh38, 1-based): chr19:12,646,654, A>G on the plus strand (T>C on the coding strand, the complement: MAN2B1 is on the minus strand). VCF-style: chr19-12646654-A-G. GRCh37 (hg19) VCF-style: chr19-12757468-A-G.
Other names: c.2999T>C, p.Leu1000Pro (NM_001173498.2); short protein forms L1000P, L1001P.
Identifiers: ClinVar variation 2144410 (VCV002144410.2), dbSNP rs762104115, ClinGen allele CA9225838.
Genomic context (GRCh38, chr19:12,646,654, plus strand): 5'-GGCTTGGAGGGCCCATCCCAGCAGACCTAACCATCCACCTCCTTCCATTGAACTGAGGCC[A>G]GGAAAGTGCGGATTTCCATGGGTTCCAGCGTGATGTTGGCCGGGTCCAGCTGGTACGGAG-3'
Protein context (NP_000519.2, residues 991-1011): TLEPMEIRTF[Leu1001Pro]ASVQWKEVDG